The following is an entry in ClinVar:

NM_005422.4(TECTA):c.2477A>G (p.Gln826Arg)

Genes: TBCEL-TECTA (TBCEL-TECTA readthrough; plus strand), TECTA (tectorin alpha; plus strand), LOC126861365 (P300/CBP strongly-dependent group 1 enhancer GRCh37_chr11:121000154-121001353; plus strand). Cytogenetic location: 11q23.3.
Variant type: single nucleotide variant.
Coding change: c.2477A>G on transcript NM_005422.4 (MANE Select); coding-DNA position 2477, A replaced by G.
Protein change: p.Gln826Arg; replaces glutamine 826 with arginine.
Molecular consequence: missense variant.
Genome position (GRCh38, 1-based): chr11:121,129,747, A>G. VCF-style: chr11-121129747-A-G. GRCh37 (hg19) VCF-style: chr11-121000456-A-G.
Other names: c.3434A>G, p.Gln1145Arg (NM_001378761.1); short protein forms Q1145R, Q826R.
Identifiers: ClinVar variation 4986335 (VCV004986335.1).

ClinVar aggregate classification (germline): Uncertain significance (1 of 4 stars; one submission).

Conditions:
TECTA-related disorder. Also called: TECTA-related condition.

gnomAD v4.1: 8 of 1,614,136 alleles (0.0005%); highest among the groups gnomAD compares: South Asian, 0.0066%; no homozygotes.

Submission:

PreventionGenetics, part of Exact Sciences
Classification: Uncertain significance for TECTA-related condition. Last evaluated: 2026-01-11. Review status: criteria provided, single submitter. Criteria: ACMG Guidelines, 2015. Collection method: clinical testing. Allele origin: germline.
Comment: The TECTA c.2477A>G variant is predicted to result in the amino acid substitution p.Gln826Arg. To our knowledge, this variant has not been reported in the literature. This variant is reported in 0.013% of alleles in individuals of South Asian descent in gnomAD. At this time, the clinical significance of this variant is uncertain due to the absence of conclusive functional and genetic evidence.